The following is an entry in ClinVar:

NM_005188.4(CBL):c.2295G>C (p.Glu765Asp)

Gene: CBL (Cbl proto-oncogene; plus strand). Cytogenetic location: 11q23.3.
Variant type: single nucleotide variant.
Coding change: c.2295G>C on transcript NM_005188.4 (MANE Select); coding-DNA position 2295, G replaced by C.
Protein change: p.Glu765Asp; replaces glutamic acid 765 with aspartic acid.
Molecular consequence: missense variant.
Genome position (GRCh38, 1-based): chr11:119,298,401, G>C. VCF-style: chr11-119298401-G-C. GRCh37 (hg19) VCF-style: chr11-119169111-G-C.
Other names: short protein forms E765D.
Identifiers: ClinVar variation 5033773 (VCV005033773.1).

ClinVar aggregate classification (germline): Uncertain significance (1 of 4 stars; one submission).

Conditions:
Cardiovascular phenotype. Identifiers: MedGen CN230736.

Submission:

Ambry Genetics
Classification: Uncertain significance for Cardiovascular phenotype. Last evaluated: 2026-08-29. Review status: criteria provided, single submitter. Criteria: Ambry Variant Classification Scheme 2023. Collection method: clinical testing. Allele origin: germline.
Comment: The p.E765D variant (also known as c.2295G>C), located in coding exon 15 of the CBL gene, results from a G to C substitution at nucleotide position 2295. The glutamic acid at codon 765 is replaced by aspartic acid, an amino acid with highly similar properties. This amino acid position is conserved. In addition, this alteration is predicted to be tolerated by in silico analysis. Based on the available evidence, the clinical significance of this variant remains unclear.